The following is an entry in ClinVar:

NM_001014447.3(CPZ):c.1511G>A (p.Arg504Gln)

Gene: CPZ (carboxypeptidase Z; plus strand). Cytogenetic location: 4p16.1.
Variant type: single nucleotide variant.
Coding change: c.1511G>A on transcript NM_001014447.3 (MANE Select); coding-DNA position 1511, G replaced by A.
Protein change: p.Arg504Gln; replaces arginine 504 with glutamine.
Molecular consequence: missense variant.
Genome position (GRCh38, 1-based): chr4:8,618,436, G>A. VCF-style: chr4-8618436-G-A. GRCh37 (hg19) VCF-style: chr4-8620163-G-A.
Other names: c.1100G>A, p.Arg367Gln (NM_001014448.3); c.1478G>A, p.Arg493Gln (NM_003652.4); short protein forms R367Q, R493Q, R504Q.
Identifiers: ClinVar variation 3039015 (VCV003039015.3), dbSNP rs139176210, ClinGen allele CA2853917.

ClinVar aggregate classification (germline): Uncertain significance. Review status: criteria provided, single submitter (1 of 4 stars). 2 submissions from 2 submitters: Uncertain significance (1). 1 of the submissions does not count toward it. Last evaluated 2025-08-27.

Conditions:
CPZ-related disorder. Also called: CPZ-related condition.

Allele frequency attached by ClinVar (database versions not stated): 1000 Genomes Project 0.00040; 1000 Genomes Project 30x 0.00062; ESP Exome Variant Server 0.00200; ExAC 0.00252.

Submissions (2):

Ambry Genetics
Classification: Uncertain significance. Last evaluated: 2025-08-27. Review status: criteria provided, single submitter. Criteria: Ambry Variant Classification Scheme 2023. Collection method: clinical testing. Allele origin: germline.

PreventionGenetics, part of Exact Sciences
Classification: Benign for CPZ-related condition. Last evaluated: 2020-01-16. Review status: no assertion criteria provided. Collection method: clinical testing. Allele origin: germline. Not counted in ClinVar's aggregate classification.
Comment: This variant is classified as benign based on ACMG/AMP sequence variant interpretation guidelines (Richards et al. 2015 PMID: 25741868, with internal and published modifications).